The following is an entry in ClinVar:

ClinVar aggregate classification (germline): Uncertain significance (1 of 4 stars; one submission).

Conditions:
Myofibrillar myopathy 5. Also called: Filaminopathy (type); FILAMINOPATHY, AUTOSOMAL DOMINANT. Identifiers: Orphanet 171445, MedGen C1836050, MONDO:0012289, OMIM 609524.
Distal myopathy with posterior leg and anterior hand involvement. Also called: WILLIAMS DISTAL MYOPATHY. Identifiers: Orphanet 63273, MedGen C3279722, MONDO:0013550, OMIM 614065.
Hypertrophic cardiomyopathy 26. Also called: Cardiomyopathy, familial hypertrophic, 26. Identifiers: Orphanet 75249, MedGen C4310749, MONDO:0014883, OMIM 617047.

gnomAD v4.1: 1 of 1,613,886 alleles (0.000062%); highest among the groups gnomAD compares: Non-Finnish European, 0.000085%; no homozygotes.

Submission:

Labcorp Genetics (formerly Invitae), Labcorp
Classification: Uncertain significance for Distal myopathy with posterior leg and anterior hand involvement; Myofibrillar myopathy 5; Hypertrophic cardiomyopathy 26. Last evaluated: 2025-04-23. Review status: criteria provided, single submitter. Criteria: Invitae Variant Classification Sherloc (09022015). Collection method: clinical testing. Allele origin: germline.
Comment: This sequence change replaces arginine, which is basic and polar, with proline, which is neutral and non-polar, at codon 478 of the FLNC protein (p.Arg478Pro). This variant is present in population databases (no rsID available, gnomAD 0.0009%). This variant has not been reported in the literature in individuals affected with FLNC-related conditions. ClinVar contains an entry for this variant (Variation ID: 2098060). Invitae Evidence Modeling of protein sequence and biophysical properties (such as structural, functional, and spatial information, amino acid conservation, physicochemical variation, residue mobility, and thermodynamic stability) has been performed for this missense variant. However, the output from this modeling did not meet the statistical confidence thresholds required to predict the impact of this variant on FLNC protein function. In summary, the available evidence is currently insufficient to determine the role of this variant in disease. Therefore, it has been classified as a Variant of Uncertain Significance.

NM_001458.5(FLNC):c.1433G>C (p.Arg478Pro)

Gene: FLNC (filamin C; plus strand). Cytogenetic location: 7q32.1.
Variant type: single nucleotide variant.
Coding change: c.1433G>C on transcript NM_001458.5 (MANE Select); coding-DNA position 1433, G replaced by C.
Protein change: p.Arg478Pro; replaces arginine 478 with proline.
Molecular consequence: missense variant.
Genome position (GRCh38, 1-based): chr7:128,840,044, G>C. VCF-style: chr7-128840044-G-C. GRCh37 (hg19) VCF-style: chr7-128480098-G-C.
Other names: c.1433G>C, p.Arg478Pro (NM_001127487.2); short protein forms R478P.
Identifiers: ClinVar variation 2098060 (VCV002098060.4), dbSNP rs749593461, ClinGen allele CA369225476.
Genomic context (GRCh38, chr7:128,840,044, plus strand): 5'-CCCTCAGCACCCCCAACCTCCTTTCTCTTCCTCCCCTAGCCTGTAACCCCAACGCCTGCC[G>C]CGCCTCTGGGCGAGGCCTGCAGCCCAAGGGTGTTCGCGTGAAAGAGGTGGCTGACTTCAA-3'
Protein context (NP_001449.3, residues 468-488): VSEACNPNAC[Arg478Pro]ASGRGLQPKG